The following is an entry in ClinVar:

NM_005529.7(HSPG2):c.11906G>A (p.Ser3969Asn)

Gene: HSPG2 (heparan sulfate proteoglycan 2; minus strand). Cytogenetic location: 1p36.12.
Variant type: single nucleotide variant.
Coding change: c.11906G>A on transcript NM_005529.7 (MANE Select); coding-DNA position 11906, G replaced by A.
Protein change: p.Ser3969Asn; replaces serine 3969 with asparagine.
Molecular consequence: missense variant.
Genome position (GRCh38, 1-based): chr1:21,829,469, C>T on the plus strand (G>A on the coding strand, the complement: HSPG2 is on the minus strand). VCF-style: chr1-21829469-C-T. GRCh37 (hg19) VCF-style: chr1-22155962-C-T.
Other names: c.11909G>A, p.Ser3970Asn (NM_001291860.2); c.11906G>A (NM_005529.5); short protein forms S3969N, S3970N.
Identifiers: ClinVar variation 1053214 (VCV001053214.9), dbSNP rs376020297, ClinGen allele CA669586.

ClinVar aggregate classification (germline): Uncertain significance. Review status: criteria provided, multiple submitters, no conflicts (2 of 4 stars). 2 submissions from 2 submitters: Uncertain significance (2). Last evaluated 2025-05-19.

Conditions:
Inborn genetic diseases. Identifiers: MedGen C0950123, MeSH D030342.

Allele frequency attached by ClinVar (database versions not stated): gnomAD 0.00008 and 0.00010; 1000 Genomes Project 30x 0.00031; ESP Exome Variant Server 0.00015; TOPMed 0.00009; gnomAD exomes 0.00002; ExAC 0.00004; 1000 Genomes Project 0.00020.
gnomAD v4.1: 32 of 1,613,406 alleles (0.002%); highest among the groups gnomAD compares: African/African-American, 0.041%; no homozygotes.

Submissions (2):

Ambry Genetics
Classification: Uncertain significance for Inborn genetic diseases. Last evaluated: 2025-05-19. Review status: criteria provided, single submitter. Criteria: Ambry Variant Classification Scheme 2023. Collection method: clinical testing. Allele origin: germline.

Labcorp Genetics (formerly Invitae), Labcorp
Classification: Uncertain significance. Last evaluated: 2020-08-20. Review status: criteria provided, single submitter. Criteria: Invitae Variant Classification Sherloc (09022015). Collection method: clinical testing. Allele origin: germline.
Comment: In summary, the available evidence is currently insufficient to determine the role of this variant in disease. Therefore, it has been classified as a Variant of Uncertain Significance. Algorithms developed to predict the effect of missense changes on protein structure and function are either unavailable or do not agree on the potential impact of this missense change (SIFT: "Tolerated"; PolyPhen-2: "Probably Damaging"; Align-GVGD: "Class C0"). This variant has not been reported in the literature in individuals with HSPG2-related conditions. This variant is present in population databases (rs376020297, ExAC 0.05%). This sequence change replaces serine with asparagine at codon 3969 of the HSPG2 protein (p.Ser3969Asn). The serine residue is weakly conserved and there is a small physicochemical difference between serine and asparagine.